The following is an entry in ClinVar:

ClinVar aggregate classification (germline): Uncertain significance. Review status: criteria provided, multiple submitters, no conflicts (2 of 4 stars). 3 submissions from 3 submitters: Uncertain significance (3). Last evaluated 2026-06-15.

Conditions:
Malignant hyperthermia, susceptibility to, 5 (MHS5). Also called: CACNA1S-Related Malignant Hyperthermia Susceptibility. Identifiers: Orphanet 423, MedGen C1866077, MONDO:0011163, OMIM 601887.
Hypokalemic periodic paralysis, type 1. Also called: HypoPP; Hypokalemic Periodic Paralysis Type 1 (AD). Identifiers: Orphanet 681, MedGen C3714580, MONDO:0042979, OMIM 170400.

Allele frequency attached by ClinVar (database versions not stated): TOPMed 0.00001.
gnomAD v4.1: 5 of 1,614,004 alleles (0.00031%); highest among the groups gnomAD compares: Non-Finnish European, 0.00042%; no homozygotes.

Submissions (3):

GeneDx
Classification: Uncertain significance. Last evaluated: 2026-06-15. Review status: criteria provided, single submitter. Criteria: GeneDx Variant Classification Process June 2021. Collection method: clinical testing. Allele origin: germline.
Comment: Not observed at significant frequency in large population cohorts (gnomAD); In silico analysis supports that this missense variant has a deleterious effect on protein structure/function; Has not been previously published as pathogenic or benign to our knowledge

Color Diagnostics, LLC DBA Color Health
Classification: Uncertain significance for Malignant hyperthermia, susceptibility to, 5. Last evaluated: 2023-12-06. Review status: criteria provided, single submitter. Criteria: ACMG Guidelines, 2015. Collection method: clinical testing. Allele origin: germline.
Comment: This missense variant replaces proline with leucine at codon 521 of the CACNA1S protein. Computational prediction suggests that this variant may have deleterious impact on protein structure and function. To our knowledge, functional studies have not been reported for this variant. This variant has not been reported in individuals affected with CACNA1S-related disorders in the literature. This variant has been identified in 1/31390 chromosomes in the general population by the Genome Aggregation Database (gnomAD). The available evidence is insufficient to determine the role of this variant in disease conclusively. Therefore, this variant is classified as a Variant of Uncertain Significance.

Labcorp Genetics (formerly Invitae), Labcorp
Classification: Uncertain significance for Hypokalemic periodic paralysis, type 1; Malignant hyperthermia, susceptibility to, 5. Last evaluated: 2022-09-12. Review status: criteria provided, single submitter. Criteria: Invitae Variant Classification Sherloc (09022015). Collection method: clinical testing. Allele origin: germline.
Comment: This sequence change replaces proline, which is neutral and non-polar, with leucine, which is neutral and non-polar, at codon 521 of the CACNA1S protein (p.Pro521Leu). This variant is present in population databases (no rsID available, gnomAD 0.007%). This variant has not been reported in the literature in individuals affected with CACNA1S-related conditions. ClinVar contains an entry for this variant (Variation ID: 1017131). Algorithms developed to predict the effect of missense changes on protein structure and function (SIFT, PolyPhen-2, Align-GVGD) all suggest that this variant is likely to be disruptive. In summary, the available evidence is currently insufficient to determine the role of this variant in disease. Therefore, it has been classified as a Variant of Uncertain Significance.

NM_000069.3(CACNA1S):c.1562C>T (p.Pro521Leu)

Gene: CACNA1S (calcium voltage-gated channel subunit alpha1 S; minus strand). Cytogenetic location: 1q32.1.
Variant type: single nucleotide variant.
Coding change: c.1562C>T on transcript NM_000069.3 (MANE Select); coding-DNA position 1562, C replaced by T.
Protein change: p.Pro521Leu; replaces proline 521 with leucine.
Molecular consequence: missense variant.
Genome position (GRCh38, 1-based): chr1:201,077,936, G>A on the plus strand (C>T on the coding strand, the complement: CACNA1S is on the minus strand). VCF-style: chr1-201077936-G-A. GRCh37 (hg19) VCF-style: chr1-201047064-G-A.
Other names: c.1562C>T (NM_000069.2); short protein forms P521L.
Identifiers: ClinVar variation 1017131 (VCV001017131.9), dbSNP rs1253021609, ClinGen allele CA344121358.